The following is an entry in ClinVar:

NM_004329.3(BMPR1A):c.469C>T (p.Leu157Phe)

Gene: BMPR1A (bone morphogenetic protein receptor type 1A; plus strand). Cytogenetic location: 10q23.2.
Variant type: single nucleotide variant.
Coding change: c.469C>T on transcript NM_004329.3 (MANE Select); coding-DNA position 469, C replaced by T.
Protein change: p.Leu157Phe; replaces leucine 157 with phenylalanine.
Molecular consequence: missense variant. On other transcripts: non-coding transcript variant (3), intron variant (1).
Genome position (GRCh38, 1-based): chr10:86,900,065, C>T. VCF-style: chr10-86900065-C-T. GRCh37 (hg19) VCF-style: chr10-88659822-C-T.
Other names: c.469C>T, p.Leu157Phe (NM_001406568.1, NM_001406569.1, NM_001406570.1 and 22 more transcripts); c.385C>T, p.Leu129Phe (NM_001406584.1, NM_001406585.1, NM_001406586.1 and 2 more transcripts); c.333+7836C>T (NM_001406589.1); short protein forms L129F, L157F.
Identifiers: ClinVar variation 3252738 (VCV003252738.2), dbSNP rs1589768232.

ClinVar aggregate classification (germline): Uncertain significance. Review status: criteria provided, multiple submitters, no conflicts (2 of 4 stars). 2 submissions from 2 submitters: Uncertain significance (2). Last evaluated 2026-07-06.

Conditions:
Hereditary cancer-predisposing syndrome. Also called: Neoplastic Syndromes, Hereditary; Tumor predisposition; Hereditary Cancer Syndrome; Hereditary neoplastic syndrome. Identifiers: Orphanet 140162, MedGen C0027672, MeSH D009386, MONDO:0015356.

Submissions (2):

Ambry Genetics
Classification: Uncertain significance for Hereditary cancer-predisposing syndrome. Last evaluated: 2026-07-06. Review status: criteria provided, single submitter. Criteria: Ambry Variant Classification Scheme 2023. Collection method: clinical testing. Allele origin: germline.
Comment: The p.L157F variant (also known as c.469C>T), located in coding exon 5 of the BMPR1A gene, results from a C to T substitution at nucleotide position 469. The leucine at codon 157 is replaced by phenylalanine, an amino acid with highly similar properties. This amino acid position is conserved. In addition, this alteration is predicted to be tolerated by in silico analysis. Based on the available evidence, the clinical significance of this variant remains unclear.

GeneDx
Classification: Uncertain significance. Last evaluated: 2023-10-04. Review status: criteria provided, single submitter. Criteria: GeneDx Variant Classification Process June 2021. Collection method: clinical testing. Allele origin: germline. Affected: yes.
Comment: Not observed at significant frequency in large population cohorts (gnomAD); In silico analysis supports that this missense variant does not alter protein structure/function; Has not been previously published as pathogenic or benign to our knowledge